The following is an entry in ClinVar:

NM_000143.4(FH):c.556-3_562del

Gene: FH (fumarate hydratase; minus strand). Cytogenetic location: 1q43.
Variant type: Deletion.
Coding change: c.556-3_562del on transcript NM_000143.4 (MANE Select); 3 bases into the intron before coding-DNA position 556 through coding-DNA position 562, 10 bases deleted (CAGAGCTCAA; older notation c.556-3_562delCAGAGCTCAA).
Molecular consequence: splice acceptor variant.
Genome position (GRCh38, 1-based): chr1:241,508,779-241,508,788, TTGAGCTCTG deleted on the plus strand (CAGAGCTCAA on the coding strand, the reverse complement: FH is on the minus strand); deleting any 10 consecutive bases within chr1:241,508,779-241,508,791 gives the same sequence; the c. name uses the placement nearest the transcript's 3' end. VCF-style (leftmost placement, unchanged base first): chr1-241508778-TTTGAGCTCTG-T. GRCh37 (hg19) VCF-style: chr1-241672078-TTTGAGCTCTG-T.
Identifiers: ClinVar variation 857120 (VCV000857120.8), dbSNP rs1659999374, ClinGen allele CA916081298.

ClinVar aggregate classification (germline): Pathogenic (1 of 4 stars; one submission).

Submission:

Labcorp Genetics (formerly Invitae), Labcorp
Classification: Pathogenic. Last evaluated: 2019-12-04. Review status: criteria provided, single submitter. Criteria: Invitae Variant Classification Sherloc (09022015). Collection method: clinical testing. Allele origin: germline.
Comment: This variant disrupts the p.Ser186 amino acid residue in FH. Other variant that disrupts this residue has been determined to be pathogenic (PMID: 31444830, Invitae). This suggests that this residue is clinically significant, and that variants that disrupt this residue are likely to be disease-causing. For these reasons, this variant has been classified as Pathogenic. Loss-of-function variants in FH are known to be pathogenic (PMID: 11865300, 21398687). Algorithms developed to predict the effect of sequence changes on RNA splicing suggest that this variant may disrupt the consensus splice site, but this prediction has not been confirmed by published transcriptional studies. This variant has not been reported in the literature in individuals with FH-related conditions. This variant is not present in population databases (ExAC no frequency). This variant results in the deletion of part of exon 5 (c.556-3_562del) of the FH gene. It is expected to disrupt RNA splicing and likely results in an absent or disrupted protein product.

Literature cited by the submitters: PubMed 31444830; PubMed 11865300; PubMed 21398687.